The following is an entry in ClinVar:

ClinVar aggregate classification (germline): Uncertain significance (1 of 4 stars; one submission).

Conditions:
Developmental and epileptic encephalopathy, 11 (DEE11). Also called: Early infantile epileptic encephalopathy 11. Identifiers: Orphanet 1934, MedGen C3150987, MONDO:0013388, OMIM 613721.
Seizures, benign familial infantile, 3 (BFIS3). Also called: CONVULSIONS, BENIGN FAMILIAL INFANTILE, 3; Familial neonatal seizures. Identifiers: Orphanet 140927, Orphanet 306, MedGen C1843140, MONDO:0011904, OMIM 607745.

Submission:

Labcorp Genetics (formerly Invitae), Labcorp
Classification: Uncertain significance for Seizures, benign familial infantile, 3; Developmental and epileptic encephalopathy, 11. Last evaluated: 2022-10-14. Review status: criteria provided, single submitter. Criteria: Invitae Variant Classification Sherloc (09022015). Collection method: clinical testing. Allele origin: germline.
Comment: In summary, the available evidence is currently insufficient to determine the role of this variant in disease. Therefore, it has been classified as a Variant of Uncertain Significance. Advanced modeling of protein sequence and biophysical properties (such as structural, functional, and spatial information, amino acid conservation, physicochemical variation, residue mobility, and thermodynamic stability) performed at Invitae indicates that this missense variant is expected to disrupt SCN2A protein function. This variant has not been reported in the literature in individuals affected with SCN2A-related conditions. This variant is not present in population databases (gnomAD no frequency). This sequence change replaces phenylalanine, which is neutral and non-polar, with isoleucine, which is neutral and non-polar, at codon 257 of the SCN2A protein (p.Phe257Ile).

NM_001040142.2(SCN2A):c.769T>A (p.Phe257Ile)

Gene: SCN2A (sodium voltage-gated channel alpha subunit 2; plus strand). Cytogenetic location: 2q24.3.
Variant type: single nucleotide variant.
Coding change: c.769T>A on transcript NM_001040142.2 (MANE Select); coding-DNA position 769, T replaced by A.
Protein change: p.Phe257Ile; replaces phenylalanine 257 with isoleucine.
Molecular consequence: missense variant.
Genome position (GRCh38, 1-based): chr2:165,310,394, T>A. VCF-style: chr2-165310394-T-A. GRCh37 (hg19) VCF-style: chr2-166166904-T-A.
Other names: c.769T>A, p.Phe257Ile (NM_001040143.2, NM_001371246.1, NM_001371247.1 and 1 more transcripts); short protein forms F257I.
Identifiers: ClinVar variation 2068019 (VCV002068019.4), dbSNP rs2467890288, ClinGen allele CA349018015.